The following is an entry in ClinVar:

ClinVar aggregate classification (germline): Uncertain significance. Review status: criteria provided, multiple submitters, no conflicts (2 of 4 stars). 2 submissions from 2 submitters: Uncertain significance (2). Last evaluated 2024-03-18.

Conditions:
Progressive sclerosing poliodystrophy (MTDPS4A). Also called: Mitochondrial DNA Depletion Syndrome 4A; Alpers-Huttenlocher Syndrome (AHS); Alpers Syndrome; ALPERS DIFFUSE DEGENERATION OF CEREBRAL GRAY MATTER WITH HEPATIC CIRRHOSIS; Alpers-Huttenlocher Syndrome; Mitochondrial DNA depletion syndrome 4A (Alpers type). Identifiers: Orphanet 726, MedGen C0205710, MONDO:0008758, OMIM 203700.

Allele frequency attached by ClinVar (database versions not stated): gnomAD exomes below 0.00001; ExAC 0.00001.
gnomAD v4.1: 2 of 1,614,116 alleles (0.00012%); highest among the groups gnomAD compares: Admixed American, 0.0017%; no homozygotes.

Submissions (2):

Labcorp Genetics (formerly Invitae), Labcorp
Classification: Uncertain significance for Progressive sclerosing poliodystrophy. Last evaluated: 2024-03-18. Review status: criteria provided, single submitter. Criteria: Invitae Variant Classification Sherloc (09022015). Collection method: clinical testing. Allele origin: germline.
Comment: This sequence change replaces proline, which is neutral and non-polar, with leucine, which is neutral and non-polar, at codon 368 of the POLG protein (p.Pro368Leu). This variant is present in population databases (rs777985236, gnomAD 0.003%). This variant has not been reported in the literature in individuals affected with POLG-related conditions. ClinVar contains an entry for this variant (Variation ID: 1253690). Advanced modeling of protein sequence and biophysical properties (such as structural, functional, and spatial information, amino acid conservation, physicochemical variation, residue mobility, and thermodynamic stability) has been performed at Invitae for this missense variant, however the output from this modeling did not meet the statistical confidence thresholds required to predict the impact of this variant on POLG protein function. In summary, the available evidence is currently insufficient to determine the role of this variant in disease. Therefore, it has been classified as a Variant of Uncertain Significance.

GeneDx
Classification: Uncertain significance. Last evaluated: 2021-08-11. Review status: criteria provided, single submitter. Criteria: GeneDx Variant Classification Process June 2021. Collection method: clinical testing. Allele origin: germline. Affected: yes.
Comment: Not observed at significant frequency in large population cohorts (Lek et al., 2016); In silico analysis, which includes protein predictors and evolutionary conservation, supports a deleterious effect; Has not been previously published as pathogenic or benign to our knowledge

NM_002693.3(POLG):c.1103C>T (p.Pro368Leu)

Gene: POLG (DNA polymerase gamma, catalytic subunit; minus strand). Cytogenetic location: 15q26.1.
Variant type: single nucleotide variant.
Coding change: c.1103C>T on transcript NM_002693.3 (MANE Select); coding-DNA position 1103, C replaced by T.
Protein change: p.Pro368Leu; replaces proline 368 with leucine.
Molecular consequence: missense variant.
Genome position (GRCh38, 1-based): chr15:89,328,752, G>A on the plus strand (C>T on the coding strand, the complement: POLG is on the minus strand). VCF-style: chr15-89328752-G-A. GRCh37 (hg19) VCF-style: chr15-89871983-G-A.
Other names: c.1103C>T, p.Pro368Leu (NM_001126131.2); short protein forms P368L.
Identifiers: ClinVar variation 1253690 (VCV001253690.4), dbSNP rs777985236, ClinGen allele CA7724953.